The following is an entry in ClinVar:

ClinVar aggregate classification (germline): Uncertain significance (1 of 4 stars; one submission).

gnomAD v4.1: 2 of 1,614,044 alleles (0.00012%); highest among the groups gnomAD compares: South Asian, 0.0011%; no homozygotes.

Submission:

Ambry Genetics
Classification: Uncertain significance. Last evaluated: 2026-04-01. Review status: criteria provided, single submitter. Criteria: Ambry Variant Classification Scheme 2023. Collection method: clinical testing. Allele origin: germline.
Comment: The c.3985C>T (p.R1329*) alteration, located in exon 34 (coding exon 31) of the FRYL gene, consists of a C to T substitution at nucleotide position 3985. This changes the amino acid from an arginine (R) to a stop codon at amino acid position 1329. This alteration is expected to result in loss of function by premature protein truncation or nonsense-mediated mRNA decay. However, loss of function of FRYL has not been established as a mechanism of disease. Based on data from gnomAD, the T allele has an overall frequency of <0.001% (1/249462) total alleles studied. The highest observed frequency was 0.003% (1/30602) of South Asian alleles. This variant has been reported as a de novo finding in a proband from a neurodevelopmental disorder cohort (Turner, 2019). Based on insufficient or conflicting evidence, the clinical significance of this alteration remains unclear.

Literature cited by the submitters: PubMed 31785789.

NM_015030.2(FRYL):c.3985C>T (p.Arg1329Ter)

Gene: FRYL (FRY like transcription coactivator; minus strand). Cytogenetic location: 4p11.
Variant type: single nucleotide variant.
Coding change: c.3985C>T on transcript NM_015030.2 (MANE Select); coding-DNA position 3985, C replaced by T.
Protein change: p.Arg1329Ter; replaces arginine 1329 with a stop codon.
Molecular consequence: nonsense.
Genome position (GRCh38, 1-based): chr4:48,557,593, G>A on the plus strand (C>T on the coding strand, the complement: FRYL is on the minus strand). VCF-style: chr4-48557593-G-A. GRCh37 (hg19) VCF-style: chr4-48559610-G-A.
Other names: short protein forms R1329*.
Identifiers: ClinVar variation 4871559 (VCV004871559.1).